The following is an entry in ClinVar:

NM_000152.5(GAA):c.2498C>T (p.Thr833Ile)

Gene: GAA (alpha glucosidase; plus strand). Cytogenetic location: 17q25.3.
Variant type: single nucleotide variant.
Coding change: c.2498C>T on transcript NM_000152.5 (MANE Select); coding-DNA position 2498, C replaced by T.
Protein change: p.Thr833Ile; replaces threonine 833 with isoleucine.
Molecular consequence: missense variant.
Genome position (GRCh38, 1-based): chr17:80,118,209, C>T. VCF-style: chr17-80118209-C-T. GRCh37 (hg19) VCF-style: chr17-78092008-C-T.
Other names: c.2498C>T, p.Thr833Ile (NM_001079803.3, NM_001079804.3, NM_001406741.1 and 1 more transcripts); short protein forms T833I.
Identifiers: ClinVar variation 2195221 (VCV002195221.1), dbSNP rs749662485, ClinGen allele CA8815775.

ClinVar aggregate classification (germline): Uncertain significance (1 of 4 stars; one submission).

Conditions:
Glycogen storage disease, type II (IOPD). Also called: GLYCOGEN STORAGE DISEASE II, INFANTILE-ONSET; ACID ALPHA-GLUCOSIDASE DEFICIENCY, INFANTILE-ONSET; GAA DEFICIENCY, INFANTILE-ONSET; ACID MALTASE DEFICIENCY, INFANTILE-ONSET; Glucosidase acid-1,4-alpha deficiency; GLYCOGENOSIS, GENERALIZED, CARDIAC FORM. Identifiers: Orphanet 365, MedGen C0017921, MONDO:0009290, OMIM 232300.

Allele frequency attached by ClinVar (database versions not stated): TOPMed below 0.00001; gnomAD 0.00001; gnomAD exomes 0.00001; ExAC 0.00003.
gnomAD v4.1: 8 of 1,613,034 alleles (0.0005%); highest among the groups gnomAD compares: South Asian, 0.0011%; no homozygotes.

Submission:

Labcorp Genetics (formerly Invitae), Labcorp
Classification: Uncertain significance for Glycogen storage disease, type II. Last evaluated: 2022-05-31. Review status: criteria provided, single submitter. Criteria: Invitae Variant Classification Sherloc (09022015). Collection method: clinical testing. Allele origin: germline.
Comment: This sequence change replaces threonine, which is neutral and polar, with isoleucine, which is neutral and non-polar, at codon 833 of the GAA protein (p.Thr833Ile). This variant is present in population databases (rs749662485, gnomAD 0.003%). This variant has not been reported in the literature in individuals affected with GAA-related conditions. Advanced modeling of protein sequence and biophysical properties (such as structural, functional, and spatial information, amino acid conservation, physicochemical variation, residue mobility, and thermodynamic stability) performed at Invitae indicates that this missense variant is expected to disrupt GAA protein function. In summary, the available evidence is currently insufficient to determine the role of this variant in disease. Therefore, it has been classified as a Variant of Uncertain Significance.